The following is an entry in ClinVar:

ClinVar aggregate classification (germline): Likely pathogenic (1 of 4 stars; one submission).

Submission:

Labcorp Genetics (formerly Invitae), Labcorp
Classification: Likely pathogenic. Last evaluated: 2023-12-11. Review status: criteria provided, single submitter. Criteria: Invitae Variant Classification Sherloc (09022015). Collection method: clinical testing. Allele origin: unknown.
Comment: This variant results in the deletion of part of exon 12 (c.1557_1655-763del) of the ALOX12B gene. It is expected to disrupt RNA splicing. Variants that disrupt the donor or acceptor splice site typically lead to a loss of protein function (PMID: 16199547), and loss-of-function variants in ALOX12B are known to be pathogenic (PMID: 16116617, 23621129, 31046801). This variant has not been reported in the literature in individuals affected with ALOX12B-related conditions. In summary, the currently available evidence indicates that the variant is pathogenic, but additional data are needed to prove that conclusively. Therefore, this variant has been classified as Likely Pathogenic.

Literature cited by the submitters: PubMed 16199547; PubMed 16116617; PubMed 23621129; PubMed 31046801.

NC_000017.10:g.(?_7977838)_(7979010_?)del

Gene: ALOX12B (arachidonate 12-lipoxygenase, 12R type; minus strand). Cytogenetic location: 17p13.1.
Variant type: Deletion.
Identifiers: ClinVar variation 3243137 (VCV003243137.1).